The following is an entry in ClinVar:

ClinVar aggregate classification (germline): Uncertain significance (1 of 4 stars; one submission).

Submission:

GeneDx
Classification: Uncertain significance. Last evaluated: 2024-07-03. Review status: criteria provided, single submitter. Criteria: GeneDx Variant Classification Process June 2021. Collection method: clinical testing. Allele origin: germline. Affected: yes.
Comment: Not observed at significant frequency in large population cohorts (gnomAD); In silico analysis supports that this missense variant has a deleterious effect on protein structure/function; Has not been previously published as pathogenic or benign to our knowledge

NM_000489.6(ATRX):c.2321A>T (p.Asp774Val)

Gene: ATRX (ATRX chromatin remodeler; minus strand). Cytogenetic location: Xq21.1.
Variant type: single nucleotide variant.
Coding change: c.2321A>T on transcript NM_000489.6 (MANE Select); coding-DNA position 2321, A replaced by T.
Protein change: p.Asp774Val; replaces aspartic acid 774 with valine.
Molecular consequence: missense variant.
Genome position (GRCh38, 1-based): chrX:77,682,935, T>A on the plus strand (A>T on the coding strand, the complement: ATRX is on the minus strand). VCF-style: chrX-77682935-T-A. GRCh37 (hg19) VCF-style: chrX-76938427-T-A.
Other names: c.2207A>T, p.Asp736Val (NM_138270.5); short protein forms D774V, D736V.
Identifiers: ClinVar variation 3393734 (VCV003393734.1).